The following is an entry in ClinVar:

ClinVar aggregate classification (germline): Benign (1 of 4 stars; one submission).

Conditions:
MELAS syndrome (MELAS). Also called: Juvenile myopathy, encephalopathy, lactic acidosis, stroke. Identifiers: Orphanet 550, MedGen C0162671, MONDO:0010789, OMIM 540000.

Submission:

Wong Mito Lab, Molecular and Human Genetics, Baylor College of Medicine
Classification: Benign for MELAS syndrome. Last evaluated: 2019-07-12. Review status: criteria provided, single submitter. Criteria: Modified ACMG Guidelines (Unpublished). Collection method: clinical testing. Allele origin: germline.
Comment: The NC_012920.1:m.7561T>C variant in MT-TD gene is interpreted to be a Benign variant based on the modified ACMG guidelines (unpublished). This variant meets the following evidence codes reported in the guidelines: BS1, BS2, BP4

Literature cited by the submitters: PubMed 31965079.

NC_012920.1(MT-TD):m.7561T>C

Gene: MT-TD (mitochondrially encoded tRNA aspartic acid; plus strand).
Variant type: single nucleotide variant.
Genome position: chrM-7561-T-C.
Identifiers: ClinVar variation 690048 (VCV000690048.1), dbSNP rs1603221012, ClinGen allele CA913177416.